The following is an entry in ClinVar:

NM_004482.4(GALNT3):c.147A>C (p.Glu49Asp)

Gene: GALNT3 (polypeptide N-acetylgalactosaminyltransferase 3; minus strand). Cytogenetic location: 2q24.3.
Variant type: single nucleotide variant.
Coding change: c.147A>C on transcript NM_004482.4 (MANE Select); coding-DNA position 147, A replaced by C.
Protein change: p.Glu49Asp; replaces glutamic acid 49 with aspartic acid.
Molecular consequence: missense variant.
Genome position (GRCh38, 1-based): chr2:165,770,554, T>G on the plus strand (A>C on the coding strand, the complement: GALNT3 is on the minus strand). VCF-style: chr2-165770554-T-G. GRCh37 (hg19) VCF-style: chr2-166627064-T-G.
Other names: c.147A>C (NM_004482.3); short protein forms E49D.
Identifiers: ClinVar variation 1041628 (VCV001041628.6), dbSNP rs756068998, ClinGen allele CA1941283.

ClinVar aggregate classification (germline): Uncertain significance. Review status: criteria provided, multiple submitters, no conflicts (2 of 4 stars). 3 submissions from 3 submitters: Uncertain significance (3). Last evaluated 2025-11-24.

Conditions:
Inborn genetic diseases. Identifiers: MedGen C0950123, MeSH D030342.
Tumoral calcinosis, hyperphosphatemic, familial, 1. Also called: HYPEROSTOSIS WITH HYPERPHOSPHATEMIA; HYPEROSTOSIS-HYPERPHOSPHATEMIA SYNDROME; CORTICAL HYPEROSTOSIS WITH HYPERPHOSPHATEMIA; CALCINOSIS, TUMORAL, WITH HYPERPHOSPHATEMIA; LIPOCALCINOGRANULOMATOSIS; MORBUS TEUTSCHLAENDER. Identifiers: Orphanet 53715, MedGen C4692564, MONDO:0100252, OMIM 211900.

Allele frequency attached by ClinVar (database versions not stated): TOPMed 0.00004; gnomAD 0.00006; gnomAD exomes 0.00006 and 0.00017; ExAC 0.00009.

Submissions (3):

Ambry Genetics
Classification: Uncertain significance for Inborn genetic diseases. Last evaluated: 2025-11-24. Review status: criteria provided, single submitter. Criteria: Ambry Variant Classification Scheme 2023. Collection method: clinical testing. Allele origin: germline.

Labcorp Genetics (formerly Invitae), Labcorp
Classification: Uncertain significance. Last evaluated: 2022-10-05. Review status: criteria provided, single submitter. Criteria: Invitae Variant Classification Sherloc (09022015). Collection method: clinical testing. Allele origin: germline.
Comment: This sequence change replaces glutamic acid, which is acidic and polar, with aspartic acid, which is acidic and polar, at codon 49 of the GALNT3 protein (p.Glu49Asp). This variant is present in population databases (rs756068998, gnomAD 0.01%). This variant has not been reported in the literature in individuals affected with GALNT3-related conditions. ClinVar contains an entry for this variant (Variation ID: 1041628). Algorithms developed to predict the effect of missense changes on protein structure and function (SIFT, PolyPhen-2, Align-GVGD) all suggest that this variant is likely to be tolerated. In summary, the available evidence is currently insufficient to determine the role of this variant in disease. Therefore, it has been classified as a Variant of Uncertain Significance.

Fulgent Genetics
Classification: Uncertain significance for Tumoral calcinosis, hyperphosphatemic, familial, 1. Last evaluated: 2022-03-18. Review status: criteria provided, single submitter. Criteria: ACMG Guidelines, 2015. Collection method: clinical testing. Allele origin: unknown.